The following is an entry in ClinVar:

NM_004130.4(GYG1):c.558_561del (p.Tyr187fs)

Gene: GYG1 (glycogenin 1; plus strand). Cytogenetic location: 3q24.
Variant type: Microsatellite.
Coding change: c.558_561del on transcript NM_004130.4 (MANE Select); coding-DNA positions 558 to 561, 4 bases deleted (TTAT; older notation c.558_561delTTAT).
Protein change: p.Tyr187fs; shifts the reading frame from tyrosine 187.
Molecular consequence: frameshift variant.
Genome position (GRCh38, 1-based): chr3:149,009,352-149,009,355, TTAT deleted; deleting any 4 consecutive bases within chr3:149,009,347-149,009,355 gives the same sequence; the c. name uses the placement nearest the transcript's 3' end. VCF-style (leftmost placement, unchanged base first): chr3-149009346-GTTTA-G. GRCh37 (hg19) VCF-style: chr3-148727133-GTTTA-G.
Other names: p.Tyr187Thrfs*2; c.558_561del, p.Tyr187fs (NM_001184720.2, NM_001184721.2); short protein forms Y187fs.
Identifiers: ClinVar variation 4540933 (VCV004540933.1).

ClinVar aggregate classification (germline): Likely pathogenic (1 of 4 stars; one submission).

Submission:

Mayo Clinic Laboratories, Mayo Clinic
Classification: Likely pathogenic. Last evaluated: 2025-04-01. Review status: criteria provided, single submitter. Criteria: ACMG Guidelines, 2015. Collection method: clinical testing. Allele origin: germline. Observed: 1 variant allele.
Comment: PM2_supporting, PVS1